The following is an entry in ClinVar:

NM_001018113.3(FANCB):c.2291A>C (p.Glu764Ala)

Gene: FANCB (FA complementation group B; minus strand). Cytogenetic location: Xp22.2.
Variant type: single nucleotide variant.
Coding change: c.2291A>C on transcript NM_001018113.3 (MANE Select); coding-DNA position 2291, A replaced by C.
Protein change: p.Glu764Ala; replaces glutamic acid 764 with alanine.
Molecular consequence: missense variant.
Genome position (GRCh38, 1-based): chrX:14,843,856, T>G on the plus strand (A>C on the coding strand, the complement: FANCB is on the minus strand). VCF-style: chrX-14843856-T-G. GRCh37 (hg19) VCF-style: chrX-14861978-T-G.
Other names: c.2291A>C, p.Glu764Ala (NM_001324162.2, NM_001410764.1, NM_152633.4); short protein forms E764A.
Identifiers: ClinVar variation 2746224 (VCV002746224.3), dbSNP rs2518946910, ClinGen allele CA412437733.

ClinVar aggregate classification (germline): Uncertain significance (1 of 4 stars; one submission).

Conditions:
Fanconi anemia (FA). Also called: Fanconi's anemia. Identifiers: Orphanet 84, MedGen C0015625, MeSH D005199, MONDO:0019391.

Submission:

Labcorp Genetics (formerly Invitae), Labcorp
Classification: Uncertain significance for Fanconi anemia. Last evaluated: 2023-11-03. Review status: criteria provided, single submitter. Criteria: Invitae Variant Classification Sherloc (09022015). Collection method: clinical testing. Allele origin: germline.
Comment: This sequence change replaces glutamic acid, which is acidic and polar, with alanine, which is neutral and non-polar, at codon 764 of the FANCB protein (p.Glu764Ala). This variant is not present in population databases (gnomAD no frequency). This variant has not been reported in the literature in individuals affected with FANCB-related conditions. Advanced modeling of protein sequence and biophysical properties (such as structural, functional, and spatial information, amino acid conservation, physicochemical variation, residue mobility, and thermodynamic stability) performed at Invitae indicates that this missense variant is expected to disrupt FANCB protein function with a positive predictive value of 80%. In summary, the available evidence is currently insufficient to determine the role of this variant in disease. Therefore, it has been classified as a Variant of Uncertain Significance.